The following is an entry in ClinVar:

NM_006329.4(FBLN5):c.1117C>T (p.Arg373Cys)

Gene: FBLN5 (fibulin 5; minus strand). Cytogenetic location: 14q32.12.
Variant type: single nucleotide variant.
Coding change: c.1117C>T on transcript NM_006329.4 (MANE Select); coding-DNA position 1117, C replaced by T.
Protein change: p.Arg373Cys; replaces arginine 373 with cysteine.
Molecular consequence: missense variant.
Genome position (GRCh38, 1-based): chr14:91,877,555, G>A on the plus strand (C>T on the coding strand, the complement: FBLN5 is on the minus strand). VCF-style: chr14-91877555-G-A. GRCh37 (hg19) VCF-style: chr14-92343899-G-A.
Other names: c.1240C>T, p.Arg414Cys (NM_001384158.1); c.1168C>T, p.Arg390Cys (NM_001384159.1); c.1117C>T, p.Arg373Cys (NM_001384160.1); c.949C>T, p.Arg317Cys (NM_001384161.1, NM_001384162.1); short protein forms R373C, R317C, R390C, R414C.
Identifiers: ClinVar variation 218358 (VCV000218358.22), dbSNP rs864309526, ClinGen allele CA248593.

ClinVar aggregate classification (germline): Pathogenic/Likely pathogenic. Review status: criteria provided, multiple submitters, no conflicts (2 of 4 stars). 8 submissions from 8 submitters: Pathogenic (1); Likely pathogenic (5). 2 of the submissions do not count toward it. Last evaluated 2025-10-20.

Conditions:
Hereditary sensorimotor neuropathy with hyperelastic skin. Identifiers: Orphanet 280598, MedGen C5190690, MONDO:0017237.
Charcot-Marie-Tooth disease, demyelinating, IIA 1H. Also called: HEREDITARY MOTOR AND SENSORY NEUROPATHY, IH; CHARCOT-MARIE-TOOTH NEUROPATHY, TYPE 1H; NEUROPATHY, HEREDITARY, WITH OR WITHOUT AGE-RELATED MACULAR DEGENERATION; Charcot-Marie-Tooth disease, demyelinating, type 1H. Identifiers: MedGen C5676926, MONDO:0030689, OMIM 619764.

Allele frequency attached by ClinVar (database versions not stated): gnomAD exomes below 0.00001.
gnomAD v4.1: 1 of 1,614,168 alleles (0.000062%); highest among the groups gnomAD compares: Non-Finnish European, 0.000085%; no homozygotes.

Submissions (8):

Mayo Clinic Laboratories, Mayo Clinic
Classification: Likely pathogenic. Last evaluated: 2025-10-20. Review status: criteria provided, single submitter. Criteria: ACMG Guidelines, 2015. Collection method: clinical testing. Allele origin: germline. Observed: 1 variant allele.
Comment: PP1_strong, PM2_supporting, PS4_moderate

Labcorp Genetics (formerly Invitae), Labcorp
Classification: Pathogenic. Last evaluated: 2025-10-13. Review status: criteria provided, single submitter. Criteria: Invitae Variant Classification Sherloc (09022015). Collection method: clinical testing. Allele origin: germline.
Comment: This sequence change replaces arginine, which is basic and polar, with cysteine, which is neutral and slightly polar, at codon 373 of the FBLN5 protein (p.Arg373Cys). This variant is not present in population databases (gnomAD no frequency). This missense change has been observed in individuals with autosomal dominant FBLN5-related conditions (PMID: 21576112, 23328402, 28332470, 31945625). It has also been observed to segregate with disease in related individuals. ClinVar contains an entry for this variant (Variation ID: 218358). Invitae Evidence Modeling of protein sequence and biophysical properties (such as structural, functional, and spatial information, amino acid conservation, physicochemical variation, residue mobility, and thermodynamic stability) indicates that this missense variant is not expected to disrupt FBLN5 protein function with a negative predictive value of 80%. For these reasons, this variant has been classified as Pathogenic.

Clinical Genetics and Genomics, Karolinska University Hospital
Classification: Likely pathogenic for Charcot-Marie-Tooth disease, demyelinating, IIA 1H. Last evaluated: 2024-04-23. Review status: criteria provided, single submitter. Criteria: Strehlow et al. (Brain. 2019). Collection method: clinical testing. Allele origin: germline. Inheritance: Autosomal dominant inheritance. Affected: yes.

GeneDx
Classification: Likely pathogenic. Last evaluated: 2023-10-23. Review status: criteria provided, single submitter. Criteria: GeneDx Variant Classification Process June 2021. Collection method: clinical testing. Allele origin: germline. Affected: yes.
Comment: Segregates with disease in many affected individuals with neuropathies from several families tested at GeneDx and reported in the published literature (PMID: 21576112, 23328402, 28332470, 32802946, 31945625); Not observed in large population cohorts (gnomAD); In silico analysis, which includes protein predictors and evolutionary conservation, supports that this variant does not alter protein structure/function; This variant is associated with the following publications: (PMID: 29412171, 23328402, 27549087, 23293578, 24244300, 21576112, 32802946, 31945625, 31589614, 32757322, 28332470)

HudsonAlpha Institute for Biotechnology
Classification: Likely pathogenic for Charcot-Marie-Tooth disease, demyelinating, IIA 1H. Last evaluated: 2018-10-23. Review status: criteria provided, single submitter. Criteria: ACMG Guidelines, 2015. Collection method: research. Allele origin: paternal. Affected: yes. Observed: 1 variant allele. Study: AGHI-WGS-HudsonAlpha.

ARUP Laboratories, Molecular Genetics and Genomics, ARUP Laboratories
Classification: Likely pathogenic. Last evaluated: 2017-11-09. Review status: criteria provided, single submitter. Criteria: ARUP Molecular Germline Variant Investigation Process. Collection method: clinical testing. Allele origin: germline.
Comment: The p.Arg373Cys variant (rs864309526) has been reported to segregate with adult onset Charcot-Marie-Tooth neuropathy in three unrelated families and has been identified in an individual who was part of a peripheral neuropathy cohort (Auer-Grumbach 2011, Cheng 2017, LaÅ¡Å¡uthovÃ¡ 2016, and Å afka BrozkovÃ¡ 2013). The p.Arg373Cys is also absent from general population databases such as 1000 Genomes, the NHLBI GO Exome Sequencing Project (ESP), and the Genome Aggregation Database (gnomAD) browser. The arginine at codon 373 is highly conserved considering 11 species up to frog (Alamut software v2.10.0), and computational analyses predict that this variant does affect the structure/function of the FBLN5 protein (SIFT: damaging, PolyPhen2: probably damaging, MutationTaster: disease causing). Based on the available evidence, the p.Arg373Cys variant is classified as likely pathogenic.

Inherited Neuropathy Consortium Ii, University Of Miami
Classification: Uncertain significance for Hereditary sensorimotor neuropathy with hyperelastic skin. Last evaluated: 2016-01-06. Review status: no assertion criteria provided. Collection method: literature only. Allele origin: germline. Affected: yes. Not counted in ClinVar's aggregate classification.

OMIM
Classification: Pathogenic for CHARCOT-MARIE-TOOTH DISEASE, DEMYELINATING, TYPE 1H. Last evaluated: 2013-07-01. Review status: no assertion criteria provided. Collection method: literature only. Allele origin: germline. Not counted in ClinVar's aggregate classification.

Literature cited by the submitters: PubMed 21576112 (cited by 4 submitters); PubMed 23328402 (cited by 3 submitters); PubMed 27549087 (cited by Mayo Clinic Laboratories, Mayo Clinic); PubMed 28332470 (cited by 3 submitters); PubMed 31945625 (cited by Mayo Clinic Laboratories, Mayo Clinic and Labcorp Genetics (formerly Invitae), Labcorp); PubMed 32757322 (cited by Mayo Clinic Laboratories, Mayo Clinic and OMIM); PubMed 32802946 (cited by Mayo Clinic Laboratories, Mayo Clinic).